The following is an entry in ClinVar:

NM_212482.4(FN1):c.6282C>T (p.Pro2094=)

Gene: FN1 (fibronectin 1; minus strand). Cytogenetic location: 2q35.
Variant type: single nucleotide variant.
Coding change: c.6282C>T on transcript NM_212482.4 (MANE Select); coding-DNA position 6282, C replaced by T.
Protein change: p.Pro2094=; no amino-acid change (proline 2094 retained).
Molecular consequence: synonymous variant. On other transcripts: intron variant (9).
Genome position (GRCh38, 1-based): chr2:215,372,341, G>A on the plus strand (C>T on the coding strand, the complement: FN1 is on the minus strand). VCF-style: chr2-215372341-G-A. GRCh37 (hg19) VCF-style: chr2-216237064-G-A.
Other names: c.6282C>T, p.Pro2094= (NM_001306129.2); c.5739C>T, p.Pro1913= (NM_001306131.2, NM_212476.3); c.6012C>T, p.Pro2004= (NM_001365517.2, NM_001365521.2); c.6009C>T, p.Pro2003= (NM_001365518.2, NM_002026.4); c.5705-326C>T (NM_212474.3); c.5705-41C>T (NM_001306132.2, NM_001365523.2); c.5975-326C>T (NM_001365524.2); c.5975-41C>T (NM_212478.3, NM_001365520.2); and 2 more.
Identifiers: ClinVar variation 3058212 (VCV003058212.2), dbSNP rs2469331339, ClinGen allele CA431154828.

ClinVar aggregate classification (germline): Likely benign (0 of 4 stars; one submission).

Conditions:
FN1-related disorder. Also called: FN1-related condition.

Submission:

PreventionGenetics, part of Exact Sciences
Classification: Likely benign for FN1-related condition. Last evaluated: 2019-03-01. Review status: no assertion criteria provided. Collection method: clinical testing. Allele origin: germline.
Comment: This variant is classified as likely benign based on ACMG/AMP sequence variant interpretation guidelines (Richards et al. 2015 PMID: 25741868, with internal and published modifications).